The following is an entry in ClinVar:

ClinVar aggregate classification (germline): Conflicting classifications of pathogenicity. Review status: criteria provided, conflicting classifications (1 of 4 stars). 3 submissions from 3 submitters: Uncertain significance (2); Likely benign (1). Last evaluated 2025-06-24.

Conditions:
Acute myeloid leukemia (AML). Also called: Leukemia, acute myeloid, somatic; Leukemia, acute myelogenous, somatic; Acute myeloid leukemia, adult; AML adult; Acute non-lymphocytic leukemia; Acute granulocytic leukemia. Identifiers: Orphanet 519, MedGen C0023467, MeSH D015470, MONDO:0018874, OMIM 601626, HP:0004808. Disease mechanism: Constitutively activated FLT3.
Inborn genetic diseases. Identifiers: MedGen C0950123, MeSH D030342.

Allele frequency attached by ClinVar (database versions not stated): gnomAD exomes 0.00001; TOPMed 0.00001.
gnomAD v4.1: 9 of 1,471,106 alleles (0.00061%); highest among the groups gnomAD compares: Non-Finnish European, 0.00081%; no homozygotes.

Submissions (3):

GeneDx
Classification: Uncertain significance. Last evaluated: 2025-06-24. Review status: criteria provided, single submitter. Criteria: GeneDx Variant Classification Process June 2021. Collection method: clinical testing. Allele origin: germline. Affected: yes.
Comment: Has not been previously published as pathogenic or benign to our knowledge; Not observed at significant frequency in large population cohorts (gnomAD); In silico analysis suggests that this missense variant does not alter protein structure/function

Ambry Genetics
Classification: Likely benign for Inborn genetic diseases. Last evaluated: 2025-04-14. Review status: criteria provided, single submitter. Criteria: Ambry Variant Classification Scheme 2023. Collection method: clinical testing. Allele origin: germline.

Labcorp Genetics (formerly Invitae), Labcorp
Classification: Uncertain significance for Acute myeloid leukemia. Last evaluated: 2023-10-23. Review status: criteria provided, single submitter. Criteria: Invitae Variant Classification Sherloc (09022015). Collection method: clinical testing. Allele origin: germline.
Comment: This sequence change replaces proline, which is neutral and non-polar, with serine, which is neutral and polar, at codon 42 of the CEBPA protein (p.Pro42Ser). This variant is not present in population databases (gnomAD no frequency). This variant has not been reported in the literature in individuals affected with CEBPA-related conditions. ClinVar contains an entry for this variant (Variation ID: 1056783). Advanced modeling of protein sequence and biophysical properties (such as structural, functional, and spatial information, amino acid conservation, physicochemical variation, residue mobility, and thermodynamic stability) performed at Invitae indicates that this missense variant is not expected to disrupt CEBPA protein function. In summary, the available evidence is currently insufficient to determine the role of this variant in disease. Therefore, it has been classified as a Variant of Uncertain Significance.

NM_004364.5(CEBPA):c.124C>T (p.Pro42Ser)

Gene: CEBPA (CCAAT enhancer binding protein alpha; minus strand). Cytogenetic location: 19q13.11.
Variant type: single nucleotide variant.
Coding change: c.124C>T on transcript NM_004364.5 (MANE Select); coding-DNA position 124, C replaced by T.
Protein change: p.Pro42Ser; replaces proline 42 with serine.
Molecular consequence: missense variant. On other transcripts: 5 prime UTR variant (1).
Genome position (GRCh38, 1-based): chr19:33,302,291, G>A on the plus strand (C>T on the coding strand, the complement: CEBPA is on the minus strand). VCF-style: chr19-33302291-G-A. GRCh37 (hg19) VCF-style: chr19-33793197-G-A.
Other names: c.-234C>T (NM_001285829.2); c.229C>T, p.Pro77Ser (NM_001287424.2); c.82C>T, p.Pro28Ser (NM_001287435.2); c.124C>T (NM_004364.3); short protein forms P28S, P42S, P77S.
Identifiers: ClinVar variation 1056783 (VCV001056783.11), dbSNP rs1382321984, ClinGen allele CA405275625.